The following is an entry in ClinVar:

NM_000059.4(BRCA2):c.9103dup (p.Tyr3035fs)

Gene: BRCA2 (BRCA2 DNA repair associated; plus strand). Cytogenetic location: 13q13.1.
Variant type: Duplication.
Coding change: c.9103dup on transcript NM_000059.4 (MANE Select); coding-DNA position 9103, one base duplicated (T; older notation c.9103dupT).
Protein change: p.Tyr3035fs; shifts the reading frame from tyrosine 3035.
Molecular consequence: frameshift variant.
Genome position (GRCh38, 1-based): chr13:32,379,899, T duplicated. VCF-style (leftmost placement, unchanged base first): chr13-32379898-G-GT. GRCh37 (hg19) VCF-style: chr13-32954035-G-GT.
Other names: c.9103dupT (NM_000059.3); short protein forms Y3035fs.
Identifiers: ClinVar variation 433835 (VCV000433835.6), dbSNP rs1555288507, ClinGen allele CA645372938.

ClinVar aggregate classification (germline): Pathogenic. Review status: reviewed by expert panel (3 of 4 stars). 3 submissions from 3 submitters: Pathogenic (1). 2 of the submissions do not count toward it. Last evaluated 2017-12-15.

Conditions:
Breast-ovarian cancer, familial, susceptibility to, 2 (BROVCA2). Also called: BRCA2 Hereditary Breast and Ovarian Cancer. Identifiers: Orphanet 145, MedGen C2675520, MONDO:0012933, OMIM 612555. Disease mechanism: loss of function.
Hereditary cancer-predisposing syndrome. Also called: Hereditary neoplastic syndrome; Tumor predisposition; Neoplastic Syndromes, Hereditary; Hereditary Cancer Syndrome. Identifiers: Orphanet 140162, MedGen C0027672, MeSH D009386, MONDO:0015356.

Allele frequency attached by ClinVar (database versions not stated): gnomAD exomes below 0.00001.

Submissions (3):

Evidence-based Network for the Interpretation of Germline Mutant Alleles (ENIGMA)
Classification: Pathogenic for Breast-ovarian cancer, familial, susceptibility to, 2. Last evaluated: 2017-12-15. Review status: reviewed by expert panel. Criteria: ENIGMA BRCA1/2 Classification Criteria (2017-06-29). Collection method: curation. Allele origin: germline. Study: ENIGMA.
Comment: Variant allele predicted to encode a truncated non-functional protein.

Ambry Genetics
Classification: Pathogenic for Hereditary cancer-predisposing syndrome. Last evaluated: 2020-07-27. Review status: criteria provided, single submitter. Criteria: Ambry Variant Classification Scheme 2023. Collection method: clinical testing. Allele origin: germline. Not counted in ClinVar's aggregate classification.
Comment: The c.9103dupT pathogenic mutation, located in coding exon 22 of the BRCA2 gene, results from a duplication of T at nucleotide position 9103, causing a translational frameshift with a predicted alternate stop codon (p.Y3035Lfs*9). This alteration has been identified in multiple individuals diagnosed with breast cancer (Finch A et al. Clin. Genet., 2016 Mar;89:304-11; Sun J et al. Clin. Cancer Res., 2017 Oct;23:6113-6119). In addition to the clinical data presented in the literature, this alteration is expected to result in loss of function by premature protein truncation or nonsense-mediated mRNA decay. As such, this alteration is interpreted as a disease-causing mutation.

Department of Pathology and Laboratory Medicine, Sinai Health System
Classification: Pathogenic. Review status: no assertion criteria provided. Collection method: clinical testing. Allele origin: unknown. Affected: yes. Observed: 2 variant alleles. Study: The Canadian Open Genetics Repository (COGR). Not counted in ClinVar's aggregate classification.
Comment: The p.Tyr3035LeufsX9 duplication variant was not identified in the literature, nor was it nor was it identified in the HGMD, UMD, COSMIC, BIC or LOVD databases. This variant is predicted to cause a frameshift, which alters the protein's amino acid sequence beginning at codon 3035 and leads to a premature stop codon 8 codons downstream. This alteration is then predicted to result in a truncated or absent protein and loss of function. Loss of function variants of the BRCA2 gene are an established mechanism of disease in hereditary breast and ovarian cancer. In summary, based on the above information, this variant meets our laboratory's criteria to be classified as pathogenic.

Literature cited by the submitters: PubMed 26219728 (cited by Ambry Genetics); PubMed 28724667 (cited by Ambry Genetics).